The following is an entry in ClinVar:

NM_015122.3(FCHO1):c.40C>A (p.His14Asn)

Gene: FCHO1 (FCH and mu domain containing endocytic adaptor 1; plus strand). Cytogenetic location: 19p13.11.
Variant type: single nucleotide variant.
Coding change: c.40C>A on transcript NM_015122.3 (MANE Select); coding-DNA position 40, C replaced by A.
Protein change: p.His14Asn; replaces histidine 14 with asparagine.
Molecular consequence: missense variant. On other transcripts: 5 prime UTR variant (6), non-coding transcript variant (36).
Genome position (GRCh38, 1-based): chr19:17,762,774, C>A. VCF-style: chr19-17762774-C-A. GRCh37 (hg19) VCF-style: chr19-17873583-C-A.
Other names: c.40C>A, p.His14Asn (NM_001161357.2, NM_001161358.2, NM_001384370.1 and 30 more transcripts); c.-111C>A (NM_001161359.2, NM_001384384.1, NM_001384385.1 and 3 more transcripts); short protein forms H14N.
Identifiers: ClinVar variation 1362210 (VCV001362210.5), dbSNP rs779934590, ClinGen allele CA9299955.

ClinVar aggregate classification (germline): Uncertain significance (1 of 4 stars; one submission).

Allele frequency attached by ClinVar (database versions not stated): gnomAD exomes below 0.00001; TOPMed below 0.00001; ExAC 0.00001.
gnomAD v4.1: 2 of 1,613,508 alleles (0.00012%); highest among the groups gnomAD compares: Non-Finnish European, 0.00017%; no homozygotes.

Submission:

Labcorp Genetics (formerly Invitae), Labcorp
Classification: Uncertain significance. Last evaluated: 2021-09-02. Review status: criteria provided, single submitter. Criteria: Invitae Variant Classification Sherloc (09022015). Collection method: clinical testing. Allele origin: germline.
Comment: This sequence change replaces histidine with asparagine at codon 14 of the FCHO1 protein (p.His14Asn). The histidine residue is moderately conserved and there is a small physicochemical difference between histidine and asparagine. This variant is present in population databases (rs779934590, ExAC 0.001%). This variant has not been reported in the literature in individuals affected with FCHO1-related conditions. Algorithms developed to predict the effect of missense changes on protein structure and function (SIFT, PolyPhen-2, Align-GVGD) all suggest that this variant is likely to be tolerated. In summary, the available evidence is currently insufficient to determine the role of this variant in disease. Therefore, it has been classified as a Variant of Uncertain Significance.